The following is an entry in ClinVar:

ClinVar aggregate classification (germline): Conflicting classifications of pathogenicity. Review status: criteria provided, conflicting classifications (1 of 4 stars). 2 submissions from 2 submitters: Likely pathogenic (1); Uncertain significance (1). Last evaluated 2024-12-18.

Conditions:
Distal arthrogryposis type 2B1 (DA2B1). Also called: Arthrogryposis multiplex congenita distal type II with craniofacial abnormalities. Identifiers: Orphanet 1147, MedGen C5193014, MONDO:0020820, OMIM 601680.

Allele frequency attached by ClinVar (database versions not stated): TOPMed below 0.00001.

Submissions (2):

GeneDx
Classification: Uncertain significance. Last evaluated: 2024-12-18. Review status: criteria provided, single submitter. Criteria: GeneDx Variant Classification Process June 2021. Collection method: clinical testing. Allele origin: germline. Affected: yes.
Comment: Not observed at significant frequency in large population cohorts (gnomAD); Canonical splice site variant with an unclear effect on protein function; Has not been previously published as pathogenic or benign to our knowledge; This variant is associated with the following publications: (PMID: 18331830)

Molecular Genetics Lab, CHRU Brest
Classification: Likely pathogenic for Distal arthrogryposis type 2B1. Review status: criteria provided, single submitter. Criteria: ACMG Guidelines, 2015. Collection method: clinical testing. Allele origin: unknown. Affected: yes.

NM_003282.4(TNNI2):c.454-2A>G

Gene: TNNI2 (troponin I2, fast skeletal type; plus strand). Cytogenetic location: 11p15.5.
Variant type: single nucleotide variant.
Coding change: c.454-2A>G on transcript NM_003282.4 (MANE Select); the canonical splice acceptor site of the intron before coding-DNA position 454, A replaced by G.
Molecular consequence: splice acceptor variant.
Genome position (GRCh38, 1-based): chr11:1,841,454, A>G. VCF-style: chr11-1841454-A-G. GRCh37 (hg19) VCF-style: chr11-1862684-A-G.
Other names: c.454-2A>G (NM_001145829.2, NM_001145841.2).
Identifiers: ClinVar variation 3024260 (VCV003024260.2), dbSNP rs1847180082, ClinGen allele CA379106796.